The following is an entry in ClinVar:

ClinVar aggregate classification (germline): Pathogenic. Review status: criteria provided, single submitter (1 of 4 stars). 3 submissions from 3 submitters: Pathogenic (1). 2 of the submissions do not count toward it. Last evaluated 2025-04-05.

Conditions:
STAR-related disorder. Also called: STAR-related condition.
Congenital lipoid adrenal hyperplasia due to STAR deficency. Also called: Lipoid adrenal hyperplasia; Cholesterol monooxygenase (side-chain cleaving) deficiency; Congenital Lipoid Adrenal Hyperplasia; ADRENAL HYPERPLASIA I. Identifiers: Orphanet 418, Orphanet 90790, MedGen C0342474, MONDO:0008725, OMIM 201710.

Submissions (3):

PreventionGenetics, part of Exact Sciences
Classification: Pathogenic for STAR-related condition. Last evaluated: 2025-04-05. Review status: criteria provided, single submitter. Criteria: ACMG Guidelines, 2015. Collection method: clinical testing. Allele origin: germline.
Comment: The STAR c.466-11T>A variant is predicted to interfere with splicing. This variant has been reported to be pathogenic for congenital lipoid adrenal hyperplasia due to abnormal splicing (Tee et al. 1995. PubMed ID: 8634702). This variant has not been reported in a large population database (gnomAD), indicating this variant is rare. This variant is interpreted as pathogenic.

Counsyl
Classification: Uncertain significance for Congenital lipoid adrenal hyperplasia due to STAR deficency. Last evaluated: 2018-04-11. Review status: no assertion criteria provided. Collection method: clinical testing. Allele origin: unknown. Not counted in ClinVar's aggregate classification.

OMIM
Classification: Pathogenic for LIPOID CONGENITAL ADRENAL HYPERPLASIA. Last evaluated: 1995-12-01. Review status: no assertion criteria provided. Collection method: literature only. Allele origin: germline. Not counted in ClinVar's aggregate classification.

Literature cited by the submitters: PubMed 8634702 (cited by Counsyl and OMIM).

NM_000349.3(STAR):c.466-11T>A

Gene: STAR (steroidogenic acute regulatory protein; minus strand). Cytogenetic location: 8p11.23.
Variant type: single nucleotide variant.
Coding change: c.466-11T>A on transcript NM_000349.3 (MANE Select); 11 bases into the intron before coding-DNA position 466, T replaced by A.
Molecular consequence: intron variant.
Genome position (GRCh38, 1-based): chr8:38,146,158, A>T on the plus strand (T>A on the coding strand, the complement: STAR is on the minus strand). VCF-style: chr8-38146158-A-T. GRCh37 (hg19) VCF-style: chr8-38003676-A-T.
Other names: IVS4AS, T-A, -11.
Identifiers: ClinVar variation 557765 (VCV000557765.3), dbSNP rs1053284504, ClinGen allele CA658821506.
Genomic context (GRCh38, chr8:38,146,158, plus strand): 5'-GCAGCCAGCTCGTGAGTAATGAATGTATCTTTTCCGATCTTCTGCAGGACCTACCAGGCC[A>T]TGGGGAACCAGAATCACGACTCAGCCTGTGTTGGGCTAAGCACCCCCCACAGCTAGGGGT-3'